The following is an entry in ClinVar:

NM_006767.4(LZTR1):c.651+67_651+68insAGAGGAGGTGAGGGGCGTGGGGAGCCAGGGCGCAGGTAGAGGAGGTGAGGGGCACGGGGAGCCAGGGCGCAGGT

Gene: LZTR1 (leucine zipper like post translational regulator 1; plus strand). Cytogenetic location: 22q11.21.
Variant type: Microsatellite.
Coding change: c.651+67_651+68insAGAGGAGGTGAGGGGCGTGGGGAGCCAGGGCGCAGGTAGAGGAGGTGAGGGGCACGGGGAGCCAGGGCGCAGGT on transcript NM_006767.4 (MANE Select); bases 67 to 68 of the intron after coding-DNA position 651, AGAGGAGGTGAGGGGCGTGGGGAGCCAGGGCGCAGGTAGAGGAGGTGAGGGGCACGGGGAGCCAGGGCGCAGGT inserted.
Molecular consequence: splice donor variant.
Genome position: GRCh38: chr22:20,989,677-20,989,749. GRCh37 (hg19): chr22:21,343,966-21,344,038.
Identifiers: ClinVar variation 1412984 (VCV001412984.6).

ClinVar aggregate classification (germline): Uncertain significance (1 of 4 stars; one submission).

Submission:

Labcorp Genetics (formerly Invitae), Labcorp
Classification: Uncertain significance. Last evaluated: 2025-11-17. Review status: criteria provided, single submitter. Criteria: Invitae Variant Classification Sherloc (09022015). Collection method: clinical testing. Allele origin: germline.
Comment: This sequence change falls in intron 7 of the LZTR1 gene. It does not directly change the encoded amino acid sequence of the LZTR1 protein. This variant is not present in population databases (gnomAD no frequency). This variant has not been reported in the literature in individuals affected with LZTR1-related conditions. In summary, the available evidence is currently insufficient to determine the role of this variant in disease. Therefore, it has been classified as a Variant of Uncertain Significance.